The following is an entry in ClinVar:

NM_000138.5(FBN1):c.5630A>G (p.His1877Arg)

Gene: FBN1 (fibrillin 1; minus strand). Cytogenetic location: 15q21.1.
Variant type: single nucleotide variant.
Coding change: c.5630A>G on transcript NM_000138.5 (MANE Select); coding-DNA position 5630, A replaced by G.
Protein change: p.His1877Arg; replaces histidine 1877 with arginine.
Molecular consequence: missense variant.
Genome position (GRCh38, 1-based): chr15:48,448,809, T>C on the plus strand (A>G on the coding strand, the complement: FBN1 is on the minus strand). VCF-style: chr15-48448809-T-C. GRCh37 (hg19) VCF-style: chr15-48741006-T-C.
Other names: short protein forms H1877R.
Identifiers: ClinVar variation 566202 (VCV000566202.8), dbSNP rs746473206, ClinGen allele CA055309.

ClinVar aggregate classification (germline): Uncertain significance (1 of 4 stars; one submission).

Conditions:
Familial thoracic aortic aneurysm and aortic dissection (TAAD). Also called: Thoracic aortic aneurysms and dissections. Identifiers: Orphanet 91387, MedGen C4707243, MONDO:0019625.
Marfan syndrome (MFS). Also called: FBN1-Related Marfan Syndrome; Marfan syndrome type 1; Marfan's syndrome; Marfan syndrome, classic; MARFAN SYNDROME, TYPE I. Identifiers: Orphanet 284963, Orphanet 558, MedGen C0024796, MONDO:0007947, OMIM 154700.

Allele frequency attached by ClinVar (database versions not stated): ExAC 0.00001; gnomAD exomes 0.00001 and below 0.00001.
gnomAD v4.1: 6 of 1,613,152 alleles (0.00037%); highest among the groups gnomAD compares: Non-Finnish European, 0.00051%; no homozygotes.

Submission:

Labcorp Genetics (formerly Invitae), Labcorp
Classification: Uncertain significance for Marfan syndrome; Familial thoracic aortic aneurysm and aortic dissection. Last evaluated: 2018-02-16. Review status: criteria provided, single submitter. Criteria: Invitae Variant Classification Sherloc (09022015). Collection method: clinical testing. Allele origin: germline.
Comment: This variant is present in population databases (rs746473206, ExAC 0.002%). In summary, the available evidence is currently insufficient to determine the role of this variant in disease. Therefore, it has been classified as a Variant of Uncertain Significance. Algorithms developed to predict the effect of missense changes on protein structure and function (SIFT, PolyPhen-2, Align-GVGD) all suggest that this variant is likely to be tolerated, but these predictions have not been confirmed by published functional studies and their clinical significance is uncertain. This variant has not been reported in the literature in individuals with FBN1-related disease. This sequence change replaces histidine with arginine at codon 1877 of the FBN1 protein (p.His1877Arg). The histidine residue is highly conserved and there is a small physicochemical difference between histidine and arginine.